The following is an entry in ClinVar:

NM_003442.6(ZNF143):c.1078A>G (p.Thr360Ala)

Gene: ZNF143 (zinc finger protein 143; plus strand). Cytogenetic location: 11p15.4.
Variant type: single nucleotide variant.
Coding change: c.1078A>G on transcript NM_003442.6 (MANE Select); coding-DNA position 1078, A replaced by G.
Protein change: p.Thr360Ala; replaces threonine 360 with alanine.
Molecular consequence: missense variant.
Genome position (GRCh38, 1-based): chr11:9,501,201, A>G. VCF-style: chr11-9501201-A-G. GRCh37 (hg19) VCF-style: chr11-9522748-A-G.
Other names: c.1075A>G, p.Thr359Ala (NM_001282656.2); c.985A>G, p.Thr329Ala (NM_001282657.2); short protein forms T359A, T360A, T329A.
Identifiers: ClinVar variation 4709459 (VCV004709459.1).

ClinVar aggregate classification (germline): Uncertain significance (1 of 4 stars; one submission).

gnomAD v4.1: 5 of 1,614,230 alleles (0.00031%); highest among the groups gnomAD compares: Non-Finnish European, 0.00042%; no homozygotes.

Submission:

Labcorp Genetics (formerly Invitae), Labcorp
Classification: Uncertain significance. Last evaluated: 2026-01-22. Review status: criteria provided, single submitter. Criteria: Invitae Variant Classification Sherloc (09022015). Collection method: clinical testing. Allele origin: germline.
Comment: This sequence change replaces threonine, which is neutral and polar, with alanine, which is neutral and non-polar, at codon 360 of the ZNF143 protein (p.Thr360Ala). This variant is present in population databases (rs776964389, gnomAD 0.004%). This variant has not been reported in the literature in individuals affected with ZNF143-related conditions. An algorithm developed to predict the effect of missense changes on protein structure and function (PolyPhen-2) suggests that this variant is likely to be tolerated. In summary, the available evidence is currently insufficient to determine the role of this variant in disease. Therefore, it has been classified as a Variant of Uncertain Significance.